The following is an entry in ClinVar:

NM_005097.4(LGI1):c.1487A>T (p.Tyr496Phe)

Gene: LGI1 (leucine rich glioma inactivated 1; plus strand). Cytogenetic location: 10q23.33.
Variant type: single nucleotide variant.
Coding change: c.1487A>T on transcript NM_005097.4 (MANE Select); coding-DNA position 1487, A replaced by T.
Protein change: p.Tyr496Phe; replaces tyrosine 496 with phenylalanine.
Molecular consequence: missense variant. On other transcripts: non-coding transcript variant (1), intron variant (1).
Genome position (GRCh38, 1-based): chr10:93,797,616, A>T. VCF-style: chr10-93797616-A-T. GRCh37 (hg19) VCF-style: chr10-95557373-A-T.
Other names: c.1343A>T, p.Tyr448Phe (NM_001308276.2); c.839-133A>T (NM_001308275.2); short protein forms Y448F, Y496F.
Identifiers: ClinVar variation 1051690 (VCV001051690.11), dbSNP rs2134027009, ClinGen allele CA377629828.

ClinVar aggregate classification (germline): Uncertain significance. Review status: criteria provided, multiple submitters, no conflicts (2 of 4 stars). 2 submissions from 2 submitters: Uncertain significance (2). Last evaluated 2023-06-22.

Conditions:
Epilepsy, familial temporal lobe, 1. Identifiers: Orphanet 101046, MedGen CN030884, MONDO:0700090, OMIM 600512.
Autosomal dominant epilepsy with auditory features. Identifiers: Orphanet 101046, MedGen C1838062, MONDO:0010898.

Allele frequency attached by ClinVar (database versions not stated): gnomAD exomes below 0.00001.
gnomAD v4.1: 4 of 1,614,122 alleles (0.00025%); highest among the groups gnomAD compares: South Asian, 0.0011%; no homozygotes.

Submissions (2):

Neuberg Centre For Genomic Medicine, NCGM
Classification: Uncertain significance for Epilepsy, familial temporal lobe, 1. Last evaluated: 2023-06-22. Review status: criteria provided, single submitter. Criteria: ACMG Guidelines, 2015. Collection method: clinical testing. Allele origin: germline. Inheritance: Autosomal dominant inheritance. Affected: yes.
Comment: The missense c.1487A>T (p.Tyr496Phe) variant in LGI1 gene has not been reported previously as a pathogenic variant nor as a benign variant, to our knowledge. The p.Tyr496Phe variant is absent in gnomAD Exomes. This variant has been submitted to the ClinVar database as Uncertain Signficance. Multiple lines of computational evidence (Polyphen - Benign, SIFT - Tolerated and MutationTaster - Disease causing) predict conflicting evidence on protein structure and function for this variant. The reference amino acid at this position in LGI1 is predicted as conserved by GERP++ and PhyloP across 100 vertebrates. The amino acid Tyr at position 496 is changed to a Phe changing protein sequence and it might alter its composition and physico-chemical properties. For these reasons, this variant has been classified as a Variant of Uncertain Significance (VUS).

Labcorp Genetics (formerly Invitae), Labcorp
Classification: Uncertain significance for Autosomal dominant epilepsy with auditory features. Last evaluated: 2020-10-05. Review status: criteria provided, single submitter. Criteria: Invitae Variant Classification Sherloc (09022015). Collection method: clinical testing. Allele origin: germline.
Comment: Algorithms developed to predict the effect of missense changes on protein structure and function are either unavailable or do not agree on the potential impact of this missense change (SIFT: "Deleterious"; PolyPhen-2: "Benign"; Align-GVGD: "Class C15"). This variant has not been reported in the literature in individuals with LGI1-related conditions. This variant is not present in population databases (ExAC no frequency). This sequence change replaces tyrosine with phenylalanine at codon 496 of the LGI1 protein (p.Tyr496Phe). The tyrosine residue is highly conserved and there is a small physicochemical difference between tyrosine and phenylalanine. In summary, the available evidence is currently insufficient to determine the role of this variant in disease. Therefore, it has been classified as a Variant of Uncertain Significance.